The following is an entry in ClinVar:

NM_002691.4(POLD1):c.123G>C (p.Met41Ile)

Gene: POLD1 (DNA polymerase delta 1, catalytic subunit; plus strand). Cytogenetic location: 19q13.33.
Variant type: single nucleotide variant.
Coding change: c.123G>C on transcript NM_002691.4 (MANE Select); coding-DNA position 123, G replaced by C.
Protein change: p.Met41Ile; replaces methionine 41 with isoleucine.
Molecular consequence: missense variant. On other transcripts: non-coding transcript variant (1).
Genome position (GRCh38, 1-based): chr19:50,398,974, G>C. VCF-style: chr19-50398974-G-C. GRCh37 (hg19) VCF-style: chr19-50902231-G-C.
Other names: c.123G>C, p.Met41Ile (NM_001256849.1, NM_001308632.1); short protein forms M41I.
Identifiers: ClinVar variation 3660294 (VCV003660294.2).

ClinVar aggregate classification (germline): Uncertain significance (1 of 4 stars; one submission).

Conditions:
POLD1-related polyposis and colorectal cancer syndrome (CRCS10). Also called: Colorectal cancer 10; COLORECTAL CANCER, SUSCEPTIBILITY TO, ON CHROMOSOME 19q; Colorectal cancer, susceptibility to, 10. Identifiers: Orphanet 220460, MedGen C2675481, MONDO:0012953, OMIM 612591.

Submission:

Labcorp Genetics (formerly Invitae), Labcorp
Classification: Uncertain significance for POLD1-related polyposis and colorectal cancer syndrome. Last evaluated: 2024-07-23. Review status: criteria provided, single submitter. Criteria: Invitae Variant Classification Sherloc (09022015). Collection method: clinical testing. Allele origin: germline.
Comment: This sequence change replaces methionine, which is neutral and non-polar, with isoleucine, which is neutral and non-polar, at codon 41 of the POLD1 protein (p.Met41Ile). This variant is not present in population databases (gnomAD no frequency). This variant has not been reported in the literature in individuals affected with POLD1-related conditions. An algorithm developed to predict the effect of missense changes on protein structure and function (PolyPhen-2) suggests that this variant is likely to be tolerated. In summary, the available evidence is currently insufficient to determine the role of this variant in disease. Therefore, it has been classified as a Variant of Uncertain Significance.